The following is an entry in ClinVar:

ClinVar aggregate classification (germline): Conflicting classifications of pathogenicity. Review status: criteria provided, conflicting classifications (1 of 4 stars). 4 submissions from 4 submitters: Uncertain significance (2); Likely benign (2). Last evaluated 2025-04-09.

Conditions:
Dilated cardiomyopathy 1G (CMD1G). Identifiers: Orphanet 154, MedGen C1858763, MONDO:0011400, OMIM 604145.
Autosomal recessive limb-girdle muscular dystrophy type 2J (LGMDR10). Also called: Limb-girdle muscular dystrophy, type 2J; MUSCULAR DYSTROPHY, LIMB-GIRDLE, AUTOSOMAL RECESSIVE 10. Identifiers: Orphanet 140922, MedGen C1837342, MONDO:0012127, OMIM 608807.

Allele frequency attached by ClinVar (database versions not stated): gnomAD 0.00001; gnomAD exomes 0.00001; ExAC 0.00002; TOPMed 0.00003.
gnomAD v4.1: 46 of 1,613,146 alleles (0.0029%); highest among the groups gnomAD compares: East Asian, 0.025%; no homozygotes.

Submissions (4):

Molecular Diagnostic Laboratory for Inherited Cardiovascular Disease, Montreal Heart Institute
Classification: Likely benign. Last evaluated: 2025-04-09. Review status: criteria provided, single submitter. Criteria: ACMG Guidelines, 2015. Collection method: clinical testing. Allele origin: germline. Affected: no.

Blueprint Genetics
Classification: Likely benign. Last evaluated: 2023-08-25. Review status: criteria provided, single submitter. Criteria: ACMG Guidelines, 2015. Collection method: clinical testing. Allele origin: germline.

Women's Health and Genetics/Laboratory Corporation of America, LabCorp
Classification: Uncertain significance. Last evaluated: 2022-03-29. Review status: criteria provided, single submitter. Criteria: LabCorp Variant Classification Summary - May 2015. Collection method: clinical testing. Allele origin: germline.
Comment: Variant summary: TTN c.68383C>T (p.Arg22795Cys) results in a non-conservative amino acid change located in the A-Band domain of the encoded protein sequence. Four of five in-silico tools predict a damaging effect of the variant on protein function. The variant allele was found at a frequency of 1.2e-05 in 248000 control chromosomes. The available data on variant occurrences in the general population are insufficient to allow any conclusion about variant significance. To our knowledge, no occurrence of c.68383C>T in individuals affected with Dilated Cardiomyopathy and no experimental evidence demonstrating its impact on protein function have been reported. One clinical diagnostic laboratory has submitted clinical-significance assessments for this variant to ClinVar after 2014 without evidence for independent evaluation. One laboratory classified the variant as uncertain significance. Based on the evidence outlined above, the variant was classified as uncertain significance.

Labcorp Genetics (formerly Invitae), Labcorp
Classification: Uncertain significance for Dilated cardiomyopathy 1G; Autosomal recessive limb-girdle muscular dystrophy type 2J. Last evaluated: 2017-10-17. Review status: criteria provided, single submitter. Criteria: Invitae Variant Classification Sherloc (09022015). Collection method: clinical testing. Allele origin: germline.

NM_001267550.2(TTN):c.76087C>T (p.Arg25363Cys)

Genes: TTN (titin; minus strand), TTN-AS1 (TTN antisense RNA 1; plus strand). Cytogenetic location: 2q31.2.
Variant type: single nucleotide variant.
Coding change: c.76087C>T on transcript NM_001267550.2 (MANE Select); coding-DNA position 76087, C replaced by T.
Protein change: p.Arg25363Cys; replaces arginine 25363 with cysteine.
Molecular consequence: missense variant.
Genome position (GRCh38, 1-based): chr2:178,570,045, G>A on the plus strand (C>T on the coding strand, the complement: TTN is on the minus strand). VCF-style: chr2-178570045-G-A. GRCh37 (hg19) VCF-style: chr2-179434772-G-A.
Other names: c.71164C>T, p.Arg23722Cys (NM_001256850.1); c.48892C>T, p.Arg16298Cys (NM_003319.4); c.68383C>T, p.Arg22795Cys (NM_133378.4); c.49267C>T, p.Arg16423Cys (NM_133432.3); c.49468C>T, p.Arg16490Cys (NM_133437.4); short protein forms R25363C, R23722C, R16298C, R16490C, R16423C, R22795C.
Identifiers: ClinVar variation 535492 (VCV000535492.6), dbSNP rs757511354, ClinGen allele CA1989955.
Genomic context (GRCh38, chr2:178,570,045, plus strand): 5'-TCTCAGCAGAAACTCTGAACTCATAATCGTGATTTTCTATGAGTCCAGTTACTCTCAGGC[G>A]CAACTCTCCAATCAGACGCTTATGGCATCTTGTCCATCTAATGCCTTCTTTATCCCGTTT-3'
Protein context (NP_001254479.2, residues 25353-25373): RCHKRLIGEL[Arg25363Cys]LRVTGLIENH